The following is an entry in ClinVar:

ClinVar aggregate classification (germline): Pathogenic. Review status: reviewed by expert panel (3 of 4 stars). 2 submissions from 2 submitters: Pathogenic (1). 1 of the submissions does not count toward it. Last evaluated 2016-10-18.

Conditions:
Breast-ovarian cancer, familial, susceptibility to, 1 (BROVCA1). Also called: BRCA1 Hereditary Breast and Ovarian Cancer; OVARIAN CANCER, SUSCEPTIBILITY TO. Identifiers: Orphanet 145, MedGen C2676676, MONDO:0011450, OMIM 604370. Disease mechanism: loss of function.

Submissions (2):

Evidence-based Network for the Interpretation of Germline Mutant Alleles (ENIGMA)
Classification: Pathogenic for Breast-ovarian cancer, familial, susceptibility to, 1. Last evaluated: 2016-10-18. Review status: reviewed by expert panel. Criteria: ENIGMA BRCA1/2 Classification Criteria (2015). Collection method: curation. Allele origin: germline.
Comment: Variant allele predicted to encode a truncated non-functional protein.

Consortium of Investigators of Modifiers of BRCA1/2 (CIMBA), c/o University of Cambridge
Classification: Pathogenic for Breast-ovarian cancer, familial, susceptibility to, 1. Last evaluated: 2015-10-02. Review status: criteria provided, single submitter. Criteria: CIMBA Mutation Classification guidelines May 2016. Collection method: clinical testing. Allele origin: germline. Not counted in ClinVar's aggregate classification.

NM_007294.4(BRCA1):c.3756_3760del (p.Ser1253fs)

Genes: BRCA1 (BRCA1 DNA repair associated; minus strand), LOC126862571 (BRD4-independent group 4 enhancer GRCh37_chr17:41243136-41244335; plus strand). Cytogenetic location: 17q21.31.
Variant type: Deletion.
Coding change: c.3756_3760del on transcript NM_007294.4 (MANE Select); coding-DNA positions 3756 to 3760, 5 bases deleted (GTCTA; older notation c.3756_3760delGTCTA).
Protein change: p.Ser1253fs; shifts the reading frame from serine 1253.
Molecular consequence: frameshift variant. On other transcripts: intron variant (135).
Genome position (GRCh38, 1-based): chr17:43,091,771-43,091,775, TAGAC deleted on the plus strand (GTCTA on the coding strand, the reverse complement: BRCA1 is on the minus strand). VCF-style (leftmost placement, unchanged base first): chr17-43091770-TTAGAC-T. GRCh37 (hg19) VCF-style: chr17-41243787-TTAGAC-T.
Other names: 3875del5-ter1264; c.3543_3547del, p.Ser1182fs (NM_001407571.1, NM_001407853.1, NM_001407894.1 and 9 more transcripts); c.3756_3760del, p.Ser1253fs (NM_001407581.1, NM_001407582.1, NM_001407583.1 and 30 more transcripts); c.3753_3757del, p.Ser1252fs (NM_001407587.1, NM_001407590.1, NM_001407591.1 and 22 more transcripts); c.3747_3751del, p.Ser1250fs (NM_001407646.1, NM_001407647.1); c.3633_3637del, p.Ser1212fs (NM_001407648.1, NM_001407664.1, NM_001407665.1 and 19 more transcripts); c.3630_3634del, p.Ser1211fs (NM_001407649.1, NM_001407670.1, NM_001407671.1 and 11 more transcripts); c.3678_3682del, p.Ser1227fs (NM_001407653.1, NM_001407654.1, NM_001407655.1 and 4 more transcripts); and 43 more; short protein forms S1206fs, S1253fs, S1186fs, S1226fs, S1126fs, S1183fs, S1185fs, S1252fs.
Identifiers: ClinVar variation 266404 (VCV000266404.6), dbSNP rs886040164, ClinGen allele CA10589725.